The following is an entry in ClinVar:

NM_006231.4(POLE):c.5839G>C (p.Glu1947Gln)

Gene: POLE (DNA polymerase epsilon, catalytic subunit; minus strand). Cytogenetic location: 12q24.33.
Variant type: single nucleotide variant.
Coding change: c.5839G>C on transcript NM_006231.4 (MANE Select); coding-DNA position 5839, G replaced by C.
Protein change: p.Glu1947Gln; replaces glutamic acid 1947 with glutamine.
Molecular consequence: missense variant.
Genome position (GRCh38, 1-based): chr12:132,634,351, C>G on the plus strand (G>C on the coding strand, the complement: POLE is on the minus strand). VCF-style: chr12-132634351-C-G. GRCh37 (hg19) VCF-style: chr12-133210937-C-G.
Other names: c.5839G>C (NM_006231.2); short protein forms E1947Q.
Identifiers: ClinVar variation 861482 (VCV000861482.11), dbSNP rs1382652919, ClinGen allele CA387371833.

ClinVar aggregate classification (germline): Uncertain significance. Review status: criteria provided, multiple submitters, no conflicts (2 of 4 stars). 2 submissions from 2 submitters: Uncertain significance (2). Last evaluated 2025-08-17.

Conditions:
Hereditary cancer-predisposing syndrome. Also called: Tumor predisposition; Hereditary neoplastic syndrome; Neoplastic Syndromes, Hereditary; Hereditary Cancer Syndrome. Identifiers: Orphanet 140162, MedGen C0027672, MeSH D009386, MONDO:0015356.

Submissions (2):

Labcorp Genetics (formerly Invitae), Labcorp
Classification: Uncertain significance. Last evaluated: 2025-08-17. Review status: criteria provided, single submitter. Criteria: Invitae Variant Classification Sherloc (09022015). Collection method: clinical testing. Allele origin: germline.
Comment: This sequence change replaces glutamic acid, which is acidic and polar, with glutamine, which is neutral and polar, at codon 1947 of the POLE protein (p.Glu1947Gln). This variant is present in population databases (no rsID available, gnomAD 0.0009%). This variant has not been reported in the literature in individuals affected with POLE-related conditions. ClinVar contains an entry for this variant (Variation ID: 861482). An algorithm developed to predict the effect of missense changes on protein structure and function outputs the following: PolyPhen-2: "Benign". The glutamine amino acid residue is found in multiple mammalian species, which suggests that this missense change does not adversely affect protein function. In summary, the available evidence is currently insufficient to determine the role of this variant in disease. Therefore, it has been classified as a Variant of Uncertain Significance.

Ambry Genetics
Classification: Uncertain significance for Hereditary cancer-predisposing syndrome. Last evaluated: 2024-03-21. Review status: criteria provided, single submitter. Criteria: Ambry Variant Classification Scheme 2023. Collection method: clinical testing. Allele origin: germline.
Comment: The p.E1947Q variant (also known as c.5839G>C), located in coding exon 43 of the POLE gene, results from a G to C substitution at nucleotide position 5839. The glutamic acid at codon 1947 is replaced by glutamine, an amino acid with highly similar properties. This amino acid position is conserved. In addition, this alteration is predicted to be tolerated by in silico analysis. Based on the available evidence, the clinical significance of this alteration remains unclear.